The following is an entry in ClinVar:

NM_001098671.2(RASGRP2):c.954G>A (p.Leu318=)

Gene: RASGRP2 (RAS guanyl releasing protein 2; minus strand). Cytogenetic location: 11q13.1.
Variant type: single nucleotide variant.
Coding change: c.954G>A on transcript NM_001098671.2 (MANE Select); coding-DNA position 954, G replaced by A.
Protein change: p.Leu318=; no amino-acid change (leucine 318 retained).
Molecular consequence: synonymous variant.
Genome position (GRCh38, 1-based): chr11:64,736,894, C>T on the plus strand (G>A on the coding strand, the complement: RASGRP2 is on the minus strand). VCF-style: chr11-64736894-C-T. GRCh37 (hg19) VCF-style: chr11-64504366-C-T.
Other names: c.954G>A, p.Leu318= (NM_001098670.2, NM_001440690.1, NM_001440691.1 and 9 more transcripts); c.519G>A, p.Leu173= (NM_001318398.2); c.951G>A, p.Leu317= (NM_001440700.1, NM_001440701.1, NM_001440702.1); c.1041G>A, p.Leu347= (NM_001440703.1, NM_001440704.1); c.1038G>A, p.Leu346= (NM_001440705.1).
Identifiers: ClinVar variation 4990442 (VCV004990442.1).

ClinVar aggregate classification (germline): Likely benign (1 of 4 stars; one submission).

Conditions:
RASGRP2-related disorder. Also called: RASGRP2-related condition.

gnomAD v4.1: 31 of 1,613,810 alleles (0.0019%); highest among the groups gnomAD compares: Non-Finnish European, 0.0025%; no homozygotes.

Submission:

PreventionGenetics, part of Exact Sciences
Classification: Likely benign for RASGRP2-related condition. Last evaluated: 2025-11-10. Review status: criteria provided, single submitter. Criteria: ACMG Guidelines, 2015. Collection method: clinical testing. Allele origin: germline.
Comment: This variant is classified as likely benign based on ACMG/AMP sequence variant interpretation guidelines (Richards et al. 2015 PMID: 25741868, with internal and published modifications).